The following is an entry in ClinVar:

ClinVar aggregate classification (germline): Uncertain significance (1 of 4 stars; one submission).

Conditions:
Hypertrophic cardiomyopathy. Also called: HYPERTROPHIC MYOCARDIOPATHY. Identifiers: Orphanet 217569, MedGen C0007194, MeSH D002312, MONDO:0005045, HP:0001639.

Submission:

Labcorp Genetics (formerly Invitae), Labcorp
Classification: Uncertain significance for Hypertrophic cardiomyopathy. Last evaluated: 2024-06-07. Review status: criteria provided, single submitter. Criteria: Invitae Variant Classification Sherloc (09022015). Collection method: clinical testing. Allele origin: germline.
Comment: This variant, c.617_634dup, results in the insertion of 6 amino acid(s) of the MYOM1 protein (p.Lys206_Ser211dup), but otherwise preserves the integrity of the reading frame. This variant is not present in population databases (gnomAD no frequency). This variant has not been reported in the literature in individuals affected with MYOM1-related conditions. ClinVar contains an entry for this variant (Variation ID: 454459). Experimental studies and prediction algorithms are not available or were not evaluated, and the functional significance of this variant is currently unknown. In summary, the available evidence is currently insufficient to determine the role of this variant in disease. Therefore, it has been classified as a Variant of Uncertain Significance.

NM_003803.4(MYOM1):c.617_634dup (p.194KQSTAS[4])

Gene: MYOM1 (myomesin 1; minus strand). Cytogenetic location: 18p11.31.
Variant type: Duplication.
Coding change: c.617_634dup on transcript NM_003803.4 (MANE Select); coding-DNA positions 617 to 634, 18 bases duplicated (AGCAGTCCACGGCATCCA).
Protein change: p.194KQSTAS[4].
Molecular consequence: inframe insertion.
Genome position (GRCh38, 1-based): chr18:3,188,885-3,188,902, TGGATGCCGTGGACTGCT duplicated on the plus strand (AGCAGTCCACGGCATCCA on the coding strand, the reverse complement: MYOM1 is on the minus strand); duplicating any 18 consecutive bases within chr18:3,188,885-3,188,909 gives the same sequence; the c. name uses the placement nearest the transcript's 3' end. VCF-style (leftmost placement, unchanged base first): chr18-3188884-C-CTGGATGCCGTGGACTGCT. GRCh37 (hg19) VCF-style: chr18-3188882-C-CTGGATGCCGTGGACTGCT.
Other names: c.617_634dup, p.194KQSTAS[4] (NM_019856.2).
Identifiers: ClinVar variation 454459 (VCV000454459.8), dbSNP rs755975362, ClinGen allele CA658658720.